The following is an entry in ClinVar:

NM_001278064.2(GRM1):c.1715A>G (p.Asn572Ser)

Gene: GRM1 (glutamate metabotropic receptor 1; plus strand). Cytogenetic location: 6q24.3.
Variant type: single nucleotide variant.
Coding change: c.1715A>G on transcript NM_001278064.2 (MANE Select); coding-DNA position 1715, A replaced by G.
Protein change: p.Asn572Ser; replaces asparagine 572 with serine.
Molecular consequence: missense variant.
Genome position (GRCh38, 1-based): chr6:146,387,002, A>G. VCF-style: chr6-146387002-A-G. GRCh37 (hg19) VCF-style: chr6-146708138-A-G.
Other names: c.1715A>G, p.Asn572Ser (NM_001278065.2, NM_001278066.1, NM_001278067.1); short protein forms N572S.
Identifiers: ClinVar variation 2884545 (VCV002884545.3), dbSNP rs202142123, ClinGen allele CA4037342.

ClinVar aggregate classification (germline): Uncertain significance (1 of 4 stars; one submission).

Allele frequency attached by ClinVar (database versions not stated): gnomAD 0.00005; TOPMed 0.00005.
gnomAD v4.1: 43 of 1,613,056 alleles (0.0027%); highest among the groups gnomAD compares: Non-Finnish European, 0.0019%; no homozygotes.

Submission:

Labcorp Genetics (formerly Invitae), Labcorp
Classification: Uncertain significance. Last evaluated: 2023-07-20. Review status: criteria provided, single submitter. Criteria: Invitae Variant Classification Sherloc (09022015). Collection method: clinical testing. Allele origin: germline.
Comment: This sequence change replaces asparagine, which is neutral and polar, with serine, which is neutral and polar, at codon 572 of the GRM1 protein (p.Asn572Ser). This variant is present in population databases (rs202142123, gnomAD 0.05%). This variant has not been reported in the literature in individuals affected with GRM1-related conditions. Algorithms developed to predict the effect of missense changes on protein structure and function output the following: SIFT: "Not Available"; PolyPhen-2: "Benign"; Align-GVGD: "Not Available". The serine amino acid residue is found in multiple mammalian species, which suggests that this missense change does not adversely affect protein function. In summary, the available evidence is currently insufficient to determine the role of this variant in disease. Therefore, it has been classified as a Variant of Uncertain Significance.